The following is an entry in ClinVar:

NM_000548.5(TSC2):c.3611-1G>A

Gene: TSC2 (TSC complex subunit 2; plus strand). Cytogenetic location: 16p13.3.
Variant type: single nucleotide variant.
Coding change: c.3611-1G>A on transcript NM_000548.5 (MANE Select); the canonical splice acceptor site of the intron before coding-DNA position 3611, G replaced by A.
Molecular consequence: splice acceptor variant.
Genome position (GRCh38, 1-based): chr16:2,081,594, G>A. VCF-style: chr16-2081594-G-A. GRCh37 (hg19) VCF-style: chr16-2131595-G-A.
Other names: c.3335-1G>A (NM_001318829.2); c.3332-1G>A (NM_001406679.1); c.2882-1G>A (NM_001406686.1, NM_001406685.1); c.3512-1G>A (NM_001318832.2); c.2138-1G>A (NM_001406693.1, NM_001406690.1, NM_001406692.1 and 1 more transcripts); c.3572-1G>A (NM_001406667.1); c.3569-1G>A (NM_001406668.1); c.3011-1G>A (NM_001406680.1, NM_001406683.1, NM_001406682.1); and 18 more.
Identifiers: ClinVar variation 3572422 (VCV003572422.3).

ClinVar aggregate classification (germline): Likely pathogenic. Review status: criteria provided, multiple submitters, no conflicts (2 of 4 stars). 2 submissions from 2 submitters: Likely pathogenic (2). Last evaluated 2025-01-15.

Conditions:
Tuberous sclerosis syndrome (TSC). Also called: Tuberous Sclerosis Complex; Tuberous sclerosis. Identifiers: Orphanet 805, MedGen C0041341, MONDO:0001734.
Tuberous sclerosis 2 (TSC2). Identifiers: Orphanet 805, MedGen C1860707, MONDO:0013199, OMIM 613254.

Submissions (2):

Institute of Medical Genetics and Applied Genomics, University Hospital Tübingen
Classification: Likely pathogenic for Tuberous sclerosis syndrome. Last evaluated: 2025-01-15. Review status: criteria provided, single submitter. Criteria: ACMG Guidelines, 2015. Collection method: clinical testing. Allele origin: germline. Inheritance: Autosomal dominant inheritance. Affected: yes.

Dasa
Classification: Likely pathogenic for Tuberous sclerosis 2. Last evaluated: 2024-10-02. Review status: criteria provided, single submitter. Criteria: DASA Assertion Criteria. Collection method: clinical testing. Allele origin: germline.
Comment: NM_000548.5(TSC2):c.3611-1G>A affects a canonical splice site and is predicted to disrupt normal RNA splicing. Loss of function is an established disease mechanism for TSC2 (PMID: 31525612; PMID: 10205261; PMID: 29932062). Also, this variant is absent from population databases. Based on the currently available evidence, this variant is classified as likely pathogenic.

Literature cited by the submitters: PubMed 31525612 (cited by Dasa); PubMed 10205261 (cited by Dasa); PubMed 29932062 (cited by Dasa).